The following is an entry in ClinVar:

ClinVar aggregate classification (germline): Pathogenic (1 of 4 stars; one submission).

Conditions:
Hereditary cancer-predisposing syndrome. Also called: Neoplastic Syndromes, Hereditary; Tumor predisposition; Hereditary neoplastic syndrome; Hereditary Cancer Syndrome. Identifiers: Orphanet 140162, MedGen C0027672, MeSH D009386, MONDO:0015356.
Cardiovascular phenotype. Identifiers: MedGen CN230736.

Submission:

Ambry Genetics
Classification: Pathogenic for Cardiovascular phenotype; Hereditary cancer-predisposing syndrome. Last evaluated: 2022-12-07. Review status: criteria provided, single submitter. Criteria: Ambry Variant Classification Scheme 2023. Collection method: clinical testing. Allele origin: germline.
Comment: The c.3010_3017dupAATATGGT pathogenic mutation, located in coding exon 23 of the NF1 gene, results from a duplication of AATATGGT at nucleotide position 3010, causing a translational frameshift with a predicted alternate stop codon (p.H1007Ifs*8). This variant is considered to be rare based on population cohorts in the Genome Aggregation Database (gnomAD). This alteration is expected to result in loss of function by premature protein truncation or nonsense-mediated mRNA decay. As such, this alteration is interpreted as a disease-causing mutation.

NM_001042492.3(NF1):c.3010_3017dup (p.His1007fs)

Gene: NF1 (neurofibromin 1; plus strand). Cytogenetic location: 17q11.2.
Variant type: Duplication.
Coding change: c.3010_3017dup on transcript NM_001042492.3 (MANE Select); coding-DNA positions 3010 to 3017, 8 bases duplicated (AATATGGT; older notation c.3010_3017dupAATATGGT).
Protein change: p.His1007fs; shifts the reading frame from histidine 1007.
Molecular consequence: frameshift variant.
Genome position (GRCh38, 1-based): chr17:31,230,279-31,230,286, AATATGGT duplicated. VCF-style (leftmost placement, unchanged base first): chr17-31230278-G-GAATATGGT. GRCh37 (hg19) VCF-style: chr17-29557296-G-GAATATGGT.
Other names: c.3010_3017dupAATATGGT (NM_000267.3); c.3010_3017dup, p.His1007Ilefs (NM_000267.4); short protein forms H1007fs.
Identifiers: ClinVar variation 2452217 (VCV002452217.2), dbSNP rs2508205136, ClinGen allele CA2580092801.